The following is an entry in ClinVar:

NM_013254.4(TBK1):c.1463T>G (p.Ile488Ser)

Gene: TBK1 (TANK binding kinase 1; plus strand). Cytogenetic location: 12q14.2.
Variant type: single nucleotide variant.
Coding change: c.1463T>G on transcript NM_013254.4 (MANE Select); coding-DNA position 1463, T replaced by G.
Protein change: p.Ile488Ser; replaces isoleucine 488 with serine.
Molecular consequence: missense variant.
Genome position (GRCh38, 1-based): chr12:64,490,061, T>G. VCF-style: chr12-64490061-T-G. GRCh37 (hg19) VCF-style: chr12-64883841-T-G.
Other names: short protein forms I488S.
Identifiers: ClinVar variation 2643162 (VCV002643162.24), dbSNP rs566611152, ClinGen allele CA6669074.
Genomic context (GRCh38, chr12:64,490,061, plus strand): 5'-ATTATACTCATTTAATTTTCTCTTTTGACTTTTCATACAGATATGAAAAGTTGATGAAGA[T>G]CAACCTGGAAGCGGCAGAGTTAGGTGAAATTTCAGACATACACACCAAATTGTTGAGAGT-3'
Protein context (NP_037386.1, residues 478-498): TVKVYEKLMK[Ile488Ser]NLEAAELGEI

ClinVar aggregate classification (germline): Uncertain significance (1 of 4 stars; one submission).

gnomAD v4.1: 3 of 1,609,448 alleles (0.00019%); highest among the groups gnomAD compares: Non-Finnish European, 0.00017%; no homozygotes.

Submission:

CeGaT Center for Human Genetics Tuebingen
Classification: Uncertain significance. Last evaluated: 2022-11-01. Review status: criteria provided, single submitter. Criteria: CeGaT Center For Human Genetics Tuebingen Variant Classification Criteria Version 2. Collection method: clinical testing. Allele origin: germline. Affected: yes. Observed: 1 variant allele.
Comment: TBK1: PM2, BP4